The following is an entry in ClinVar:

ClinVar aggregate classification (germline): Uncertain significance (1 of 4 stars; one submission).

Submission:

Ambry Genetics
Classification: Uncertain significance. Last evaluated: 2024-12-02. Review status: criteria provided, single submitter. Criteria: Ambry Variant Classification Scheme 2023. Collection method: clinical testing. Allele origin: germline.
Comment: The p.F500S variant (also known as c.1499T>C), located in coding exon 13 of the GEN1 gene, results from a T to C substitution at nucleotide position 1499. The phenylalanine at codon 500 is replaced by serine, an amino acid with highly dissimilar properties. This amino acid position is conserved. In addition, this alteration is predicted to be tolerated by in silico analysis. Based on the available evidence, the clinical significance of this variant remains unclear.

NM_001130009.3(GEN1):c.1499T>C (p.Phe500Ser)

Gene: GEN1 (GEN1 Holliday junction 5' flap endonuclease; plus strand). Cytogenetic location: 2p24.2.
Variant type: single nucleotide variant.
Coding change: c.1499T>C on transcript NM_001130009.3 (MANE Select); coding-DNA position 1499, T replaced by C.
Protein change: p.Phe500Ser; replaces phenylalanine 500 with serine.
Molecular consequence: missense variant.
Genome position (GRCh38, 1-based): chr2:17,780,711, T>C. VCF-style: chr2-17780711-T-C. GRCh37 (hg19) VCF-style: chr2-17961978-T-C.
Other names: c.1499T>C, p.Phe500Ser (NM_182625.5); short protein forms F500S.
Identifiers: ClinVar variation 3519765 (VCV003519765.1).
Genomic context (GRCh38, chr2:17,780,711, plus strand): 5'-AACCAGATGAAGTAATGAGCTTTCAGTCACACATGACTTTAAAACCCACATGTGAAATCT[T>C]TCATAAGCAGAATTCCAAGTTAAATTCGGGGATTTCCCCTGATCCTACATTACCACAGGA-3'
Protein context (NP_001123481.3, residues 490-510): HMTLKPTCEI[Phe500Ser]HKQNSKLNSG